The following is an entry in ClinVar:

ClinVar aggregate classification (germline): Uncertain significance (1 of 4 stars; one submission).

Conditions:
Genitopatellar syndrome (GTPTS). Also called: ABSENT PATELLAE, SCROTAL HYPOPLASIA, RENAL ANOMALIES, FACIAL DYSMORPHISM, AND MENTAL RETARDATION; Genitopatellar syndrome (GPS). Identifiers: Orphanet 85201, MedGen C1853566, MONDO:0011640, OMIM 606170.

Submission:

Labcorp Genetics (formerly Invitae), Labcorp
Classification: Uncertain significance for Genitopatellar syndrome. Last evaluated: 2025-07-14. Review status: criteria provided, single submitter. Criteria: Invitae Variant Classification Sherloc (09022015). Collection method: clinical testing. Allele origin: germline.
Comment: This sequence change replaces aspartic acid, which is acidic and polar, with glutamic acid, which is acidic and polar, at codon 1428 of the KAT6B protein (p.Asp1428Glu). This variant is not present in population databases (gnomAD no frequency). This variant has not been reported in the literature in individuals affected with KAT6B-related conditions. Invitae Evidence Modeling of protein sequence and biophysical properties (such as structural, functional, and spatial information, amino acid conservation, physicochemical variation, residue mobility, and thermodynamic stability) indicates that this missense variant is not expected to disrupt KAT6B protein function with a negative predictive value of 80%. In summary, the available evidence is currently insufficient to determine the role of this variant in disease. Therefore, it has been classified as a Variant of Uncertain Significance.

NM_012330.4(KAT6B):c.4284C>G (p.Asp1428Glu)

Gene: KAT6B (lysine acetyltransferase 6B; plus strand). Cytogenetic location: 10q22.2.
Variant type: single nucleotide variant.
Coding change: c.4284C>G on transcript NM_012330.4 (MANE Select); coding-DNA position 4284, C replaced by G.
Protein change: p.Asp1428Glu; replaces aspartic acid 1428 with glutamic acid.
Molecular consequence: missense variant.
Genome position (GRCh38, 1-based): chr10:75,029,108, C>G. VCF-style: chr10-75029108-C-G. GRCh37 (hg19) VCF-style: chr10-76788866-C-G.
Other names: c.3735C>G, p.Asp1245Glu (NM_001256468.2, NM_001370138.1); c.3408C>G, p.Asp1136Glu (NM_001256469.2, NM_001370139.1, NM_001370140.1 and 2 more transcripts); c.3246C>G, p.Asp1082Glu (NM_001370132.1); c.2595C>G, p.Asp865Glu (NM_001370133.1); c.2199C>G, p.Asp733Glu (NM_001370134.1); c.1941C>G, p.Asp647Glu (NM_001370135.1); c.4284C>G, p.Asp1428Glu (NM_001370136.1, NM_001370137.1); c.3219C>G, p.Asp1073Glu (NM_001370143.1, NM_001370144.1); short protein forms D1073E, D1136E, D647E, D733E, D1245E, D865E, D1428E, D1082E.
Identifiers: ClinVar variation 4703940 (VCV004703940.1).